The following is an entry in ClinVar:

ClinVar aggregate classification (germline): Conflicting classifications of pathogenicity. Review status: criteria provided, conflicting classifications (1 of 4 stars). 4 submissions from 4 submitters: Uncertain significance (1); Likely benign (3). Last evaluated 2026-02-02.

Conditions:
MYO7A-related disorder. Also called: MYO7A-related disorders.

Allele frequency attached by ClinVar (database versions not stated): gnomAD exomes 0.00008 and 0.00012; ExAC 0.00024; ESP Exome Variant Server 0.00047; gnomAD 0.00054 and 0.00058; 1000 Genomes Project 0.00060; 1000 Genomes Project 30x 0.00062; TOPMed 0.00067.
gnomAD v4.1: 206 of 1,610,450 alleles (0.013%); highest among the groups gnomAD compares: African/African-American, 0.18%; no homozygotes.

Submissions (4):

PreventionGenetics, part of Exact Sciences
Classification: Likely benign for MYO7A-related condition. Last evaluated: 2026-02-02. Review status: criteria provided, single submitter. Criteria: ACMG Guidelines, 2015. Collection method: clinical testing. Allele origin: germline.
Comment: This variant is classified as likely benign based on ACMG/AMP sequence variant interpretation guidelines (Richards et al. 2015 PMID: 25741868, with internal and published modifications).

Labcorp Genetics (formerly Invitae), Labcorp
Classification: Likely benign. Last evaluated: 2025-05-13. Review status: criteria provided, single submitter. Criteria: Invitae Variant Classification Sherloc (09022015). Collection method: clinical testing. Allele origin: germline.

Blueprint Genetics
Classification: Likely benign. Last evaluated: 2024-09-09. Review status: criteria provided, single submitter. Criteria: ACMG Guidelines, 2015. Collection method: clinical testing. Allele origin: germline.

Genomic Diagnostic Laboratory, Division of Genomic Diagnostics, Children's Hospital of Philadelphia
Classification: Uncertain significance. Last evaluated: 2015-06-26. Review status: criteria provided, single submitter. Criteria: DGD Variant Analysis Guidelines. Collection method: clinical testing. Allele origin: unknown.

NM_000260.4(MYO7A):c.4667C>T (p.Pro1556Leu)

Gene: MYO7A (myosin VIIA; plus strand). Cytogenetic location: 11q13.5.
Variant type: single nucleotide variant.
Coding change: c.4667C>T on transcript NM_000260.4 (MANE Select); coding-DNA position 4667, C replaced by T.
Protein change: p.Pro1556Leu; replaces proline 1556 with leucine.
Molecular consequence: missense variant. On other transcripts: intron variant (2).
Genome position (GRCh38, 1-based): chr11:77,199,633, C>T. VCF-style: chr11-77199633-C-T. GRCh37 (hg19) VCF-style: chr11-76910678-C-T.
Other names: c.4536-16C>T (NM_001369365.1); c.4569-16C>T (NM_001127180.2); short protein forms P1556L.
Identifiers: ClinVar variation 218435 (VCV000218435.14), dbSNP rs150654627, ClinGen allele CA249156.